The following is an entry in ClinVar:

NM_002796.3(PSMB4):c.501C>T (p.Leu167=)

Gene: PSMB4 (proteasome 20S subunit beta 4; plus strand). Cytogenetic location: 1q21.3.
Variant type: single nucleotide variant.
Coding change: c.501C>T on transcript NM_002796.3 (MANE Select); coding-DNA position 501, C replaced by T.
Protein change: p.Leu167=; no amino-acid change (leucine 167 retained).
Molecular consequence: synonymous variant.
Genome position (GRCh38, 1-based): chr1:151,400,770, C>T. VCF-style: chr1-151400770-C-T. GRCh37 (hg19) VCF-style: chr1-151373246-C-T.
Identifiers: ClinVar variation 4770580 (VCV004770580.1).

ClinVar aggregate classification (germline): Uncertain significance (1 of 4 stars; one submission).

gnomAD v4.1: 3 of 1,614,140 alleles (0.00019%); highest among the groups gnomAD compares: Non-Finnish European, 0.00025%; no homozygotes.

Submission:

Labcorp Genetics (formerly Invitae), Labcorp
Classification: Uncertain significance. Last evaluated: 2025-08-04. Review status: criteria provided, single submitter. Criteria: Invitae Variant Classification Sherloc (09022015). Collection method: clinical testing. Allele origin: germline.
Comment: This sequence change affects codon 167 of the PSMB4 mRNA. It is a 'silent' change, meaning that it does not change the encoded amino acid sequence of the PSMB4 protein. This variant is present in population databases (rs750425737, gnomAD 0.003%). This variant has not been reported in the literature in individuals affected with PSMB4-related conditions. Algorithms developed to predict the effect of sequence changes on RNA splicing suggest that this variant may disrupt the consensus splice site. In summary, the available evidence is currently insufficient to determine the role of this variant in disease. Therefore, it has been classified as a Variant of Uncertain Significance.